The following is an entry in ClinVar:

NM_020806.5(GPHN):c.848C>A (p.Ser283Tyr)

Gene: GPHN (gephyrin; plus strand). Cytogenetic location: 14q23.3.
Variant type: single nucleotide variant.
Coding change: c.848C>A on transcript NM_020806.5 (MANE Select); coding-DNA position 848, C replaced by A.
Protein change: p.Ser283Tyr; replaces serine 283 with tyrosine.
Molecular consequence: missense variant.
Genome position (GRCh38, 1-based): chr14:66,965,210, C>A. VCF-style: chr14-66965210-C-A. GRCh37 (hg19) VCF-style: chr14-67431927-C-A.
Other names: c.749C>A, p.Ser250Tyr (NM_001024218.2, NM_001377515.1, NM_001377516.1 and 2 more transcripts); c.788C>A, p.Ser263Tyr (NM_001377514.1, NM_001377519.1); short protein forms S250Y, S263Y, S283Y.
Identifiers: ClinVar variation 3655978 (VCV003655978.2).

ClinVar aggregate classification (germline): Uncertain significance (1 of 4 stars; one submission).

Conditions:
Sulfite oxidase deficiency due to molybdenum cofactor deficiency type C. Also called: Molybdenum cofactor deficiency, complementation group C; Molybdenum cofactor deficiency C. Identifiers: Orphanet 308400, Orphanet 833, MedGen C1854990, MONDO:0014212, OMIM 615501.

Submission:

Labcorp Genetics (formerly Invitae), Labcorp
Classification: Uncertain significance for Sulfite oxidase deficiency due to molybdenum cofactor deficiency type C. Last evaluated: 2024-06-09. Review status: criteria provided, single submitter. Criteria: Invitae Variant Classification Sherloc (09022015). Collection method: clinical testing. Allele origin: germline.
Comment: This sequence change replaces serine, which is neutral and polar, with tyrosine, which is neutral and polar, at codon 283 of the GPHN protein (p.Ser283Tyr). This variant is not present in population databases (gnomAD no frequency). This variant has not been reported in the literature in individuals affected with GPHN-related conditions. Advanced modeling of protein sequence and biophysical properties (such as structural, functional, and spatial information, amino acid conservation, physicochemical variation, residue mobility, and thermodynamic stability) performed at Invitae indicates that this missense variant is expected to disrupt GPHN protein function with a positive predictive value of 80%. In summary, the available evidence is currently insufficient to determine the role of this variant in disease. Therefore, it has been classified as a Variant of Uncertain Significance.